The following is an entry in ClinVar:

NM_002536.4(TBC1D25):c.110G>A (p.Arg37Gln)

Gene: TBC1D25 (TBC1 domain family member 25; plus strand). Cytogenetic location: Xp11.23.
Variant type: single nucleotide variant.
Coding change: c.110G>A on transcript NM_002536.4 (MANE Select); coding-DNA position 110, G replaced by A.
Protein change: p.Arg37Gln; replaces arginine 37 with glutamine.
Molecular consequence: missense variant. On other transcripts: non-coding transcript variant (9), 5 prime UTR variant (2).
Genome position (GRCh38, 1-based): chrX:48,539,907, G>A. VCF-style: chrX-48539907-G-A. GRCh37 (hg19) VCF-style: chrX-48398295-G-A.
Other names: c.110G>A, p.Arg37Gln (NM_001348262.2, NM_001348263.2); c.-136G>A (NM_001348264.2); c.-148G>A (NM_001348265.2); short protein forms R37Q.
Identifiers: ClinVar variation 3251160 (VCV003251160.18), dbSNP rs2061824542.

ClinVar aggregate classification (germline): Uncertain significance (1 of 4 stars; one submission).

Submission:

CeGaT Center for Human Genetics Tuebingen
Classification: Uncertain significance. Last evaluated: 2024-06-01. Review status: criteria provided, single submitter. Criteria: CeGaT Center For Human Genetics Tuebingen Variant Classification Criteria Version 2. Collection method: clinical testing. Allele origin: germline. Affected: yes. Observed: 1 variant allele.
Comment: TBC1D25: PM2